The following is an entry in ClinVar:

NM_006031.6(PCNT):c.5698C>G (p.Arg1900Gly)

Gene: PCNT (pericentrin; plus strand). Cytogenetic location: 21q22.3.
Variant type: single nucleotide variant.
Coding change: c.5698C>G on transcript NM_006031.6 (MANE Select); coding-DNA position 5698, C replaced by G.
Protein change: p.Arg1900Gly; replaces arginine 1900 with glycine.
Molecular consequence: missense variant.
Genome position (GRCh38, 1-based): chr21:46,411,771, C>G. VCF-style: chr21-46411771-C-G. GRCh37 (hg19) VCF-style: chr21-47831685-C-G.
Other names: c.5344C>G, p.Arg1782Gly (NM_001315529.2); c.5698C>G (NM_006031.5); short protein forms R1782G, R1900G.
Identifiers: ClinVar variation 2041052 (VCV002041052.2), dbSNP rs529740865, ClinGen allele CA10080064.

ClinVar aggregate classification (germline): Uncertain significance. Review status: criteria provided, multiple submitters, no conflicts (2 of 4 stars). 2 submissions from 2 submitters: Uncertain significance (2). Last evaluated 2025-08-26.

Conditions:
PCNT-related disorder. Also called: PCNT-related condition.

gnomAD v4.1: 2 of 1,606,598 alleles (0.00012%); highest among the groups gnomAD compares: East Asian, 0.0022%; no homozygotes.

Submissions (2):

PreventionGenetics, part of Exact Sciences
Classification: Uncertain significance for PCNT-related condition. Last evaluated: 2025-08-26. Review status: criteria provided, single submitter. Criteria: ACMG Guidelines, 2015. Collection method: clinical testing. Allele origin: germline.
Comment: The PCNT c.5698C>G variant is predicted to result in the amino acid substitution p.Arg1900Gly. To our knowledge, this variant has not been reported in the literature. This variant is reported in 0.0058% of alleles in individuals of East Asian descent in gnomAD. At this time, the clinical significance of this variant is uncertain due to the absence of conclusive functional and genetic evidence.

Labcorp Genetics (formerly Invitae), Labcorp
Classification: Uncertain significance. Last evaluated: 2021-12-12. Review status: criteria provided, single submitter. Criteria: Invitae Variant Classification Sherloc (09022015). Collection method: clinical testing. Allele origin: germline.
Comment: This sequence change replaces arginine, which is basic and polar, with glycine, which is neutral and non-polar, at codon 1900 of the PCNT protein (p.Arg1900Gly). This variant is present in population databases (rs529740865, gnomAD 0.006%). This variant has not been reported in the literature in individuals affected with PCNT-related conditions. Algorithms developed to predict the effect of missense changes on protein structure and function output the following: SIFT: "Tolerated"; PolyPhen-2: "Benign"; Align-GVGD: "Class C0". The glycine amino acid residue is found in multiple mammalian species, which suggests that this missense change does not adversely affect protein function. In summary, the available evidence is currently insufficient to determine the role of this variant in disease. Therefore, it has been classified as a Variant of Uncertain Significance.